The following is an entry in ClinVar:

NM_003119.4(SPG7):c.2281C>T (p.Gln761Ter)

Gene: SPG7 (SPG7 matrix AAA peptidase subunit, paraplegin; plus strand). Cytogenetic location: 16q24.3.
Variant type: single nucleotide variant.
Coding change: c.2281C>T on transcript NM_003119.4 (MANE Select); coding-DNA position 2281, C replaced by T.
Protein change: p.Gln761Ter; replaces glutamine 761 with a stop codon.
Molecular consequence: nonsense. On other transcripts: 3 prime UTR variant (1).
Genome position (GRCh38, 1-based): chr16:89,556,986, C>T. VCF-style: chr16-89556986-C-T. GRCh37 (hg19) VCF-style: chr16-89623394-C-T.
Other names: c.*59C>T (NM_001363850.1); short protein forms Q761*.
Identifiers: ClinVar variation 2182781 (VCV002182781.4), dbSNP rs765598622, ClinGen allele CA286509879.
Genomic context (GRCh38, chr16:89,556,986, plus strand): 5'-GAGGACATTGAGGCTCTCATTGGCCCGCCGCCCCATGGGCCGAAGAAAATGATCGCACCG[C>T]AGAGGTGGATCGACGCCCAGAGGGAGAAACAGGACTTGGGCGAGGAGGAGACCGAAGAGA-3'

ClinVar aggregate classification (germline): Uncertain significance (1 of 4 stars; one submission).

Conditions:
Hereditary spastic paraplegia 7 (SPG7). Also called: Spastic paraplegia 7; Hereditary spastic paraplegia Paraplegin type; SPG7-related neurologic disorder; SPASTIC PARAPLEGIA 7, AUTOSOMAL RECESSIVE, WITH OR WITHOUT CEREBELLAR ATAXIA; Autosomal recessive spastic paraplegia type 7. Identifiers: Orphanet 99013, MedGen C1846564, MONDO:0011803, OMIM 607259.

Allele frequency attached by ClinVar (database versions not stated): gnomAD exomes below 0.00001.
gnomAD v4.1: 3 of 1,613,928 alleles (0.00019%); highest among the groups gnomAD compares: Non-Finnish European, 0.00025%; no homozygotes.

Submission:

Labcorp Genetics (formerly Invitae), Labcorp
Classification: Uncertain significance for Hereditary spastic paraplegia 7. Last evaluated: 2022-08-23. Review status: criteria provided, single submitter. Criteria: Invitae Variant Classification Sherloc (09022015). Collection method: clinical testing. Allele origin: germline.
Comment: This variant has not been reported in the literature in individuals affected with SPG7-related conditions. This sequence change creates a premature translational stop signal (p.Gln761*) in the SPG7 gene. While this is not anticipated to result in nonsense mediated decay, it is expected to disrupt the last 35 amino acid(s) of the SPG7 protein. This variant is not present in population databases (gnomAD no frequency). Experimental studies and prediction algorithms are not available or were not evaluated, and the functional significance of this variant is currently unknown. In summary, the available evidence is currently insufficient to determine the role of this variant in disease. Therefore, it has been classified as a Variant of Uncertain Significance.